The following is an entry in ClinVar:

NM_003183.6(ADAM17):c.2416G>T (p.Ala806Ser)

Genes: ADAM17 (ADAM metallopeptidase domain 17; minus strand), IAH1 (isoamyl acetate hydrolyzing esterase 1 (putative); plus strand). Cytogenetic location: 2p25.1.
Variant type: single nucleotide variant.
Coding change: c.2416G>T on transcript NM_003183.6 (MANE Select); coding-DNA position 2416, G replaced by T.
Protein change: p.Ala806Ser; replaces alanine 806 with serine.
Molecular consequence: missense variant.
Genome position (GRCh38, 1-based): chr2:9,490,236, C>A on the plus strand (G>T on the coding strand, the complement: ADAM17 is on the minus strand). VCF-style: chr2-9490236-C-A. GRCh37 (hg19) VCF-style: chr2-9630365-C-A.
Other names: c.1756G>T, p.Ala586Ser (NM_001382777.1); c.1519G>T, p.Ala507Ser (NM_001382778.1); c.2416G>T (NM_003183.4); short protein forms A586S, A806S, A507S.
Identifiers: ClinVar variation 1408478 (VCV001408478.4), dbSNP rs761391373, ClinGen allele CA1523223.

ClinVar aggregate classification (germline): Uncertain significance. Review status: criteria provided, multiple submitters, no conflicts (2 of 4 stars). 2 submissions from 2 submitters: Uncertain significance (2). Last evaluated 2025-06-22.

Conditions:
Inborn genetic diseases. Identifiers: MedGen C0950123, MeSH D030342.
Inflammatory skin and bowel disease, neonatal, 1. Identifiers: Orphanet 294023, MedGen C3280501, MONDO:0013693, OMIM 614328.

gnomAD v4.1: 140 of 1,609,752 alleles (0.0087%); highest among the groups gnomAD compares: Non-Finnish European, 0.012%; no homozygotes.

Submissions (2):

Ambry Genetics
Classification: Uncertain significance for Inborn genetic diseases. Last evaluated: 2025-06-22. Review status: criteria provided, single submitter. Criteria: Ambry Variant Classification Scheme 2023. Collection method: clinical testing. Allele origin: germline.

Labcorp Genetics (formerly Invitae), Labcorp
Classification: Uncertain significance for Inflammatory skin and bowel disease, neonatal, 1. Last evaluated: 2021-12-15. Review status: criteria provided, single submitter. Criteria: Invitae Variant Classification Sherloc (09022015). Collection method: clinical testing. Allele origin: germline.
Comment: This sequence change replaces alanine, which is neutral and non-polar, with serine, which is neutral and polar, at codon 806 of the ADAM17 protein (p.Ala806Ser). This variant is present in population databases (rs761391373, gnomAD 0.01%). This variant has not been reported in the literature in individuals affected with ADAM17-related conditions. Algorithms developed to predict the effect of missense changes on protein structure and function are either unavailable or do not agree on the potential impact of this missense change (SIFT: "Not Available"; PolyPhen-2: "Benign"; Align-GVGD: "Not Available"). In summary, the available evidence is currently insufficient to determine the role of this variant in disease. Therefore, it has been classified as a Variant of Uncertain Significance.